The following is an entry in ClinVar:

Single allele

Gene: DMD (dystrophin; minus strand). Cytogenetic location: Xp21.1.
Variant type: Deletion.
Identifiers: ClinVar variation 2671588 (VCV002671588.1).

ClinVar aggregate classification (germline): Pathogenic (1 of 4 stars; one submission).

Submission:

Illumina Laboratory Services, Illumina
Classification: Pathogenic. Last evaluated: 2023-07-25. Review status: criteria provided, single submitter. Criteria: ICSL CNVClassificationCriteria Aug2020. Collection method: clinical testing. Allele origin: unknown.
Comment: This CNV is a 287 kb deletion of Xp21.1 on chromosome X, (seq[GRCh37]del(X)(Xp21.1); NC_000023.10:g.32448462_32735062del), that is inherited. The breakpoints for this CNV lie within introns 7 and 29 of the DMD gene, resulting in disruption of exons 8-29. These exons code for the actin binding and central rod domains. Smaller deletions in this region have been reported in at least 10 individuals with dystrophinopathies (PMID: 18752307). This CNV has not been reported in controls (PMID: 19344873). Based on the available evidence, this CNV is classified as a pathogenic.